The following is an entry in ClinVar:

NM_000138.5(FBN1):c.3453C>T (p.Ser1151=)

Gene: FBN1 (fibrillin 1; minus strand). Cytogenetic location: 15q21.1.
Variant type: single nucleotide variant.
Coding change: c.3453C>T on transcript NM_000138.5 (MANE Select); coding-DNA position 3453, C replaced by T.
Protein change: p.Ser1151=; no amino-acid change (serine 1151 retained).
Molecular consequence: synonymous variant.
Genome position (GRCh38, 1-based): chr15:48,487,322, G>A on the plus strand (C>T on the coding strand, the complement: FBN1 is on the minus strand). VCF-style: chr15-48487322-G-A. GRCh37 (hg19) VCF-style: chr15-48779519-G-A.
Identifiers: ClinVar variation 923230 (VCV000923230.13), dbSNP rs748759748, ClinGen allele CA050627.

ClinVar aggregate classification (germline): Likely benign. Review status: criteria provided, multiple submitters, no conflicts (2 of 4 stars). 4 submissions from 4 submitters: Likely benign (4). Last evaluated 2025-05-27.

Conditions:
Familial thoracic aortic aneurysm and aortic dissection (TAAD). Also called: Thoracic aortic aneurysms and dissections. Identifiers: Orphanet 91387, MedGen C4707243, MONDO:0019625.
Marfan syndrome (MFS). Also called: Marfan syndrome, classic; Marfan syndrome type 1; Marfan's syndrome; FBN1-Related Marfan Syndrome; MARFAN SYNDROME, TYPE I. Identifiers: Orphanet 284963, Orphanet 558, MedGen C0024796, MONDO:0007947, OMIM 154700.

Allele frequency attached by ClinVar (database versions not stated): TOPMed 0.00001; ExAC 0.00004; gnomAD 0.00002; gnomAD exomes 0.00001 and 0.00003.
gnomAD v4.1: 24 of 1,614,100 alleles (0.0015%); highest among the groups gnomAD compares: Admixed American, 0.005%; no homozygotes.

Submissions (4):

Labcorp Genetics (formerly Invitae), Labcorp
Classification: Likely benign for Marfan syndrome; Familial thoracic aortic aneurysm and aortic dissection. Last evaluated: 2025-05-27. Review status: criteria provided, single submitter. Criteria: Invitae Variant Classification Sherloc (09022015). Collection method: clinical testing. Allele origin: germline.

Ambry Genetics
Classification: Likely benign for Familial thoracic aortic aneurysm and aortic dissection. Last evaluated: 2024-07-07. Review status: criteria provided, single submitter. Criteria: Ambry Variant Classification Scheme 2023. Collection method: clinical testing. Allele origin: germline.

All of Us Research Program, National Institutes of Health
Classification: Likely benign for Marfan syndrome. Last evaluated: 2024-05-24. Review status: criteria provided, single submitter. Criteria: ACMG Guidelines, 2015. Collection method: clinical testing. Allele origin: germline. Inheritance: Autosomal dominant inheritance. Observed: 8 variant alleles, 8 heterozygotes.
Comment: This study involves interpretation of variants in research participants for the purpose of population health screening. Participant phenotype was not available at the time of variant classification. Additional details can be found in publication PMID: 35346344, PMCID: PMC8962531

Color Diagnostics, LLC DBA Color Health
Classification: Likely benign for Familial thoracic aortic aneurysm and aortic dissection. Last evaluated: 2019-01-20. Review status: criteria provided, single submitter. Criteria: ACMG Guidelines, 2015. Collection method: clinical testing. Allele origin: germline.